The following is an entry in ClinVar:

NM_025081.3(NYNRIN):c.1910C>T (p.Pro637Leu)

Gene: NYNRIN (NYN domain and retroviral integrase containing; plus strand). Cytogenetic location: 14q12.
Variant type: single nucleotide variant.
Coding change: c.1910C>T on transcript NM_025081.3 (MANE Select); coding-DNA position 1910, C replaced by T.
Protein change: p.Pro637Leu; replaces proline 637 with leucine.
Molecular consequence: missense variant.
Genome position (GRCh38, 1-based): chr14:24,409,704, C>T. VCF-style: chr14-24409704-C-T. GRCh37 (hg19) VCF-style: chr14-24878910-C-T.
Other names: short protein forms P637L.
Identifiers: ClinVar variation 3609085 (VCV003609085.2).
Genomic context (GRCh38, chr14:24,409,704, plus strand): 5'-TGGAACCCACAACTCCAAAAACTCCCCAGGCTCAGAAGATGCCTGTAGCAAAAACATCAC[C>T]TGCAGGTCCCAAAACACCCAAAGCTCAAGCCGGGCCTGCAGCTACAGTTTCCAAAGCACC-3'
Protein context (NP_079357.2, residues 627-647): AQKMPVAKTS[Pro637Leu]AGPKTPKAQA

ClinVar aggregate classification (germline): Uncertain significance (1 of 4 stars; one submission).

Submission:

Labcorp Genetics (formerly Invitae), Labcorp
Classification: Uncertain significance. Last evaluated: 2024-11-21. Review status: criteria provided, single submitter. Criteria: Invitae Variant Classification Sherloc (09022015). Collection method: clinical testing. Allele origin: germline.
Comment: This sequence change replaces proline, which is neutral and non-polar, with leucine, which is neutral and non-polar, at codon 637 of the NYNRIN protein (p.Pro637Leu). This variant is not present in population databases (gnomAD no frequency). This variant has not been reported in the literature in individuals affected with NYNRIN-related conditions. Experimental studies and prediction algorithms are not available or were not evaluated, and the functional significance of this variant is currently unknown. In summary, the available evidence is currently insufficient to determine the role of this variant in disease. Therefore, it has been classified as a Variant of Uncertain Significance.